The following is an entry in ClinVar:

ClinVar aggregate classification (germline): Pathogenic/Likely pathogenic. Review status: criteria provided, multiple submitters, no conflicts (2 of 4 stars). 6 submissions from 6 submitters: Pathogenic (4); Likely pathogenic (1). 1 of the submissions does not count toward it. Last evaluated 2025-06-04.

Conditions:
Seizures, benign familial neonatal, 2. Also called: Benign Neonatal Epilepsy 2; KCNQ3-Related Self-Limited Familial Neonatal Epilepsy (SLFNE); KCNQ3-Related Benign Familial Neonatal Epilepsy; Seizures, benign neonatal, 2; CONVULSIONS, BENIGN FAMILIAL NEONATAL, 2. Identifiers: Orphanet 1949, MedGen C1852581, MONDO:0007366, OMIM 121201.
Benign neonatal seizures. Also called: Benign familial neonatal epilepsy; Benign familial neonatal seizures; Convulsions benign familial neonatal dominant form; Autosomal dominant form of benign neonatal seizures; Benign neonatal familial convulsions. Identifiers: Orphanet 1949, MedGen C0220669, MONDO:0016027.
KCNQ3-related disorder. Also called: KCNQ3-Related Disorders; KCNQ3-related condition. Identifiers: MedGen CN381530.

Submissions (6):

GeneDx
Classification: Pathogenic. Last evaluated: 2025-06-04. Review status: criteria provided, single submitter. Criteria: GeneDx Variant Classification Process June 2021. Collection method: clinical testing. Allele origin: germline.
Comment: Identified in affected individuals from a single family with benign familial neonatal seizures in published literature (PMID: 24375629); Published functional studies demonstrate p.(I317T) has a functionally abnormal effect on channel function (PMID: 24375629); In silico analysis supports that this missense variant has a deleterious effect on protein structure/function; Not observed at significant frequency in large population cohorts (gnomAD); This variant is associated with the following publications: (PMID: 31440721, 28717674, 24375629)

Labcorp Genetics (formerly Invitae), Labcorp
Classification: Pathogenic for Benign neonatal seizures. Last evaluated: 2024-06-29. Review status: criteria provided, single submitter. Criteria: Invitae Variant Classification Sherloc (09022015). Collection method: clinical testing. Allele origin: germline.
Comment: This sequence change replaces isoleucine, which is neutral and non-polar, with threonine, which is neutral and polar, at codon 317 of the KCNQ3 protein (p.Ile317Thr). This variant is not present in population databases (gnomAD no frequency). This missense change has been observed in individual(s) with autosomal dominant benign familial neonatal seizures (PMID: 24375629; Invitae). It has also been observed to segregate with disease in related individuals. ClinVar contains an entry for this variant (Variation ID: 661030). Advanced modeling of protein sequence and biophysical properties (such as structural, functional, and spatial information, amino acid conservation, physicochemical variation, residue mobility, and thermodynamic stability) performed at Invitae indicates that this missense variant is not expected to disrupt KCNQ3 protein function with a negative predictive value of 80%. Experimental studies have shown that this missense change affects KCNQ3 function (PMID: 24375629). For these reasons, this variant has been classified as Pathogenic.

PreventionGenetics, part of Exact Sciences
Classification: Likely pathogenic for KCNQ3-related condition. Last evaluated: 2022-11-13. Review status: criteria provided, single submitter. Criteria: ACMG Guidelines, 2015. Collection method: clinical testing. Allele origin: germline.
Comment: The KCNQ3 c.950T>C variant is predicted to result in the amino acid substitution p.Ile317Thr. This variant was reported in three individuals from a family, segregating with neonatal seizures in all three individuals and febrile seizures and cognitive impairment in two family members (Soldovieri et al 2014. PubMed ID: 24375629). This variant has not been reported in a large population database, indicating it is rare. This variant occurs in a conserved position of the ion channel selectivity filter, and functional studies suggested it is deleterious (Soldovieri et al 2014. PubMed ID: 24375629). This variant is interpreted as likely pathogenic.

Blueprint Genetics
Classification: Pathogenic for KCNQ3-related disorders. Last evaluated: 2020-12-04. Review status: criteria provided, single submitter. Criteria: ACMG Guidelines, 2015. Collection method: clinical testing. Allele origin: germline. Affected: yes. Observed: 1 variant allele.

Rady Children's Institute for Genomic Medicine, Rady Children's Hospital San Diego
Classification: Pathogenic for SEIZURES, BENIGN FAMILIAL NEONATAL, 2. Last evaluated: 2018-10-24. Review status: criteria provided, single submitter. Criteria: ACMG Guidelines, 2015. Collection method: clinical testing. Allele origin: germline. Affected: yes. Observed: 1 variant allele.
Comment: This variant has been previously reported as a heterozygous change in three related individuals with neonatal seizures (all 3 tested individuals), and additionally, febrile seizures and cognitive impairment (2 out of 3 tested individuals) (PMID: 24375629). This variant is located in the S5-S6 linker, one residue upstream of the GYG sequence of the selectivity filter. In vitro functional testing of this variant using patch-clamping of transfected CHO cells demonstrated that this variant confers decreased current density (PMID: 24375629). It is absent from the ExAC and gnomAD population databases and thus is presumed to be rare. In silico analyses support a deleterious effect of the c.950T>C (p.Ile317Thr) variant on protein function. Analysis of the parental samples was negative for the variant, indicating this variant likely occurred as a de novo event. Based on the available evidence, the c.950T>C (p.Ile317Thr) variant is classified as pathogenic.

GeneReviews
No classification provided. Condition: Seizures, benign familial neonatal, 2. Review status: no classification provided. Collection method: literature only. Allele origin: germline. Not counted in ClinVar's aggregate classification.
Comment: Moderate psychomotor delay in some family members

Literature cited by the submitters: PubMed 24375629 (cited by Labcorp Genetics (formerly Invitae), Labcorp and GeneReviews); NCBI Bookshelf NBK201978 (cited by GeneReviews).

NM_004519.4(KCNQ3):c.950T>C (p.Ile317Thr)

Gene: KCNQ3 (potassium voltage-gated channel subfamily Q member 3; minus strand). Cytogenetic location: 8q24.22.
Variant type: single nucleotide variant.
Coding change: c.950T>C on transcript NM_004519.4 (MANE Select); coding-DNA position 950, T replaced by C.
Protein change: p.Ile317Thr; replaces isoleucine 317 with threonine.
Molecular consequence: missense variant.
Genome position (GRCh38, 1-based): chr8:132,174,333, A>G on the plus strand (T>C on the coding strand, the complement: KCNQ3 is on the minus strand). VCF-style: chr8-132174333-A-G. GRCh37 (hg19) VCF-style: chr8-133186580-A-G.
Other names: c.590T>C, p.Ile197Thr (NM_001204824.2); short protein forms I317T, I197T.
Identifiers: ClinVar variation 661030 (VCV000661030.17), dbSNP rs1586800133, ClinGen allele CA372290246.